The following is an entry in ClinVar:

NM_005045.4(RELN):c.4868T>C (p.Ile1623Thr)

Gene: RELN (reelin; minus strand). Cytogenetic location: 7q22.1.
Variant type: single nucleotide variant.
Coding change: c.4868T>C on transcript NM_005045.4 (MANE Select); coding-DNA position 4868, T replaced by C.
Protein change: p.Ile1623Thr; replaces isoleucine 1623 with threonine.
Molecular consequence: missense variant.
Genome position (GRCh38, 1-based): chr7:103,566,292, A>G on the plus strand (T>C on the coding strand, the complement: RELN is on the minus strand). VCF-style: chr7-103566292-A-G. GRCh37 (hg19) VCF-style: chr7-103206739-A-G.
Other names: c.4868T>C, p.Ile1623Thr (NM_173054.3); c.4868T>C (NM_005045.3); short protein forms I1623T.
Identifiers: ClinVar variation 2953994 (VCV002953994.4), dbSNP rs368468964, ClinGen allele CA4421391.

ClinVar aggregate classification (germline): Uncertain significance. Review status: criteria provided, multiple submitters, no conflicts (2 of 4 stars). 2 submissions from 2 submitters: Uncertain significance (2). Last evaluated 2025-09-24.

Conditions:
Norman-Roberts syndrome (LIS2). Also called: Lissencephaly 2 (Norman-Roberts type). Identifiers: Orphanet 89844, MedGen C0796089, MONDO:0009760, OMIM 257320.
Familial temporal lobe epilepsy 7. Identifiers: Orphanet 101046, MedGen C4225327, MONDO:0014639, OMIM 616436.
Inborn genetic diseases. Identifiers: MedGen C0950123, MeSH D030342.

Allele frequency attached by ClinVar (database versions not stated): gnomAD exomes below 0.00001; ExAC 0.00001; gnomAD 0.00002; TOPMed 0.00003; ESP Exome Variant Server 0.00008.
gnomAD v4.1: 5 of 1,613,926 alleles (0.00031%); highest among the groups gnomAD compares: African/African-American, 0.0067%; no homozygotes.

Submissions (2):

Ambry Genetics
Classification: Uncertain significance for Inborn genetic diseases. Last evaluated: 2025-09-24. Review status: criteria provided, single submitter. Criteria: Ambry Variant Classification Scheme 2023. Collection method: clinical testing. Allele origin: germline.

Labcorp Genetics (formerly Invitae), Labcorp
Classification: Uncertain significance for Familial temporal lobe epilepsy 7; Norman-Roberts syndrome. Last evaluated: 2023-03-17. Review status: criteria provided, single submitter. Criteria: Invitae Variant Classification Sherloc (09022015). Collection method: clinical testing. Allele origin: germline.
Comment: In summary, the available evidence is currently insufficient to determine the role of this variant in disease. Therefore, it has been classified as a Variant of Uncertain Significance. Advanced modeling of protein sequence and biophysical properties (such as structural, functional, and spatial information, amino acid conservation, physicochemical variation, residue mobility, and thermodynamic stability) performed at Invitae indicates that this missense variant is not expected to disrupt RELN protein function. This variant has not been reported in the literature in individuals affected with RELN-related conditions. This variant is present in population databases (rs368468964, gnomAD 0.007%). This sequence change replaces isoleucine, which is neutral and non-polar, with threonine, which is neutral and polar, at codon 1623 of the RELN protein (p.Ile1623Thr).